The following is an entry in ClinVar:

ClinVar aggregate classification (germline): Uncertain significance (1 of 4 stars; one submission).

Submission:

GeneDx
Classification: Uncertain significance. Last evaluated: 2024-05-29. Review status: criteria provided, single submitter. Criteria: GeneDx Variant Classification Process June 2021. Collection method: clinical testing. Allele origin: germline. Affected: yes.
Comment: Not observed at significant frequency in large population cohorts (gnomAD); In silico analysis supports that this missense variant has a deleterious effect on protein structure/function; Has not been previously published as pathogenic or benign to our knowledge

NM_001195263.2(PDZD7):c.479A>C (p.His160Pro)

Gene: PDZD7 (PDZ domain containing 7; minus strand). Cytogenetic location: 10q24.31.
Variant type: single nucleotide variant.
Coding change: c.479A>C on transcript NM_001195263.2 (MANE Select); coding-DNA position 479, A replaced by C.
Protein change: p.His160Pro; replaces histidine 160 with proline.
Molecular consequence: missense variant.
Genome position (GRCh38, 1-based): chr10:101,023,499, T>G on the plus strand (A>C on the coding strand, the complement: PDZD7 is on the minus strand). VCF-style: chr10-101023499-T-G. GRCh37 (hg19) VCF-style: chr10-102783256-T-G.
Other names: c.479A>C, p.His160Pro (NM_001351044.2, NM_024895.5); short protein forms H160P.
Identifiers: ClinVar variation 3383683 (VCV003383683.1).